The following is an entry in ClinVar:

ClinVar aggregate classification (germline): Uncertain significance (1 of 4 stars; one submission).

Conditions:
Hereditary cancer-predisposing syndrome. Also called: Neoplastic Syndromes, Hereditary; Tumor predisposition; Hereditary neoplastic syndrome; Hereditary Cancer Syndrome. Identifiers: Orphanet 140162, MedGen C0027672, MeSH D009386, MONDO:0015356.

Submission:

Ambry Genetics
Classification: Uncertain significance for Hereditary cancer-predisposing syndrome. Last evaluated: 2023-02-24. Review status: criteria provided, single submitter. Criteria: Ambry Variant Classification Scheme 2023. Collection method: clinical testing. Allele origin: germline.
Comment: The p.P780S variant (also known as c.2338C>T), located in coding exon 14 of the DICER1 gene, results from a C to T substitution at nucleotide position 2338. The proline at codon 780 is replaced by serine, an amino acid with similar properties. This amino acid position is conserved. In addition, the in silico prediction for this alteration is inconclusive. Since supporting evidence is limited at this time, the clinical significance of this alteration remains unclear.

NM_177438.3(DICER1):c.2338C>T (p.Pro780Ser)

Gene: DICER1 (dicer 1, ribonuclease III; minus strand). Cytogenetic location: 14q32.13.
Variant type: single nucleotide variant.
Coding change: c.2338C>T on transcript NM_177438.3 (MANE Select); coding-DNA position 2338, C replaced by T.
Protein change: p.Pro780Ser; replaces proline 780 with serine.
Molecular consequence: missense variant. On other transcripts: non-coding transcript variant (6).
Genome position (GRCh38, 1-based): chr14:95,108,422, G>A on the plus strand (C>T on the coding strand, the complement: DICER1 is on the minus strand). VCF-style: chr14-95108422-G-A. GRCh37 (hg19) VCF-style: chr14-95574759-G-A.
Other names: c.2338C>T, p.Pro780Ser (NM_001195573.1, NM_001271282.3, NM_001291628.2 and 13 more transcripts); c.2056C>T, p.Pro686Ser (NM_001395686.1); c.1933C>T, p.Pro645Ser (NM_001395687.1, NM_001395688.1, NM_001395689.1 and 2 more transcripts); c.1771C>T, p.Pro591Ser (NM_001395691.1); c.655C>T, p.Pro219Ser (NM_001395697.1); short protein forms P219S, P591S, P645S, P686S, P780S.
Identifiers: ClinVar variation 3229335 (VCV003229335.1), dbSNP rs1891654798, ClinGen allele CA390882261.